The following is an entry in ClinVar:

ClinVar aggregate classification (germline): Uncertain significance (1 of 4 stars; one submission).

Allele frequency attached by ClinVar (database versions not stated): TOPMed below 0.00001; gnomAD exomes 0.00001.
gnomAD v4.1: 19 of 1,613,592 alleles (0.0012%); highest among the groups gnomAD compares: Non-Finnish European, 0.0014%; no homozygotes.

Submission:

Labcorp Genetics (formerly Invitae), Labcorp
Classification: Uncertain significance. Last evaluated: 2022-07-26. Review status: criteria provided, single submitter. Criteria: Invitae Variant Classification Sherloc (09022015). Collection method: clinical testing. Allele origin: germline.
Comment: This sequence change replaces alanine, which is neutral and non-polar, with valine, which is neutral and non-polar, at codon 212 of the ATPAF2 protein (p.Ala212Val). This variant is not present in population databases (gnomAD no frequency). This variant has not been reported in the literature in individuals affected with ATPAF2-related conditions. ClinVar contains an entry for this variant (Variation ID: 1371739). Algorithms developed to predict the effect of missense changes on protein structure and function (SIFT, PolyPhen-2, Align-GVGD) all suggest that this variant is likely to be tolerated. In summary, the available evidence is currently insufficient to determine the role of this variant in disease. Therefore, it has been classified as a Variant of Uncertain Significance.

NM_145691.4(ATPAF2):c.635C>T (p.Ala212Val)

Gene: ATPAF2 (ATP synthase mitochondrial F1 complex assembly factor 2; minus strand). Cytogenetic location: 17p11.2.
Variant type: single nucleotide variant.
Coding change: c.635C>T on transcript NM_145691.4 (MANE Select); coding-DNA position 635, C replaced by T.
Protein change: p.Ala212Val; replaces alanine 212 with valine.
Molecular consequence: missense variant.
Genome position (GRCh38, 1-based): chr17:18,021,220, G>A on the plus strand (C>T on the coding strand, the complement: ATPAF2 is on the minus strand). VCF-style: chr17-18021220-G-A. GRCh37 (hg19) VCF-style: chr17-17924534-G-A.
Other names: short protein forms A212V.
Identifiers: ClinVar variation 1371739 (VCV001371739.8), dbSNP rs2044465325, ClinGen allele CA398574368.